The following is an entry in ClinVar:

ClinVar aggregate classification (germline): Uncertain significance (1 of 4 stars; one submission).

Allele frequency attached by ClinVar (database versions not stated): ExAC 0.00001; gnomAD 0.00001; gnomAD exomes 0.00001; TOPMed 0.00001; ESP Exome Variant Server 0.00008.
gnomAD v4.1: 19 of 1,613,890 alleles (0.0012%); highest among the groups gnomAD compares: Non-Finnish European, 0.0016%; no homozygotes.

Submission:

Labcorp Genetics (formerly Invitae), Labcorp
Classification: Uncertain significance. Last evaluated: 2022-04-19. Review status: criteria provided, single submitter. Criteria: Invitae Variant Classification Sherloc (09022015). Collection method: clinical testing. Allele origin: germline.
Comment: This variant is present in population databases (rs371161134, gnomAD 0.002%). This variant has not been reported in the literature in individuals affected with CXCR2-related conditions. Algorithms developed to predict the effect of missense changes on protein structure and function (SIFT, PolyPhen-2, Align-GVGD) all suggest that this variant is likely to be tolerated. In summary, the available evidence is currently insufficient to determine the role of this variant in disease. Therefore, it has been classified as a Variant of Uncertain Significance. This sequence change replaces aspartic acid, which is acidic and polar, with histidine, which is basic and polar, at codon 13 of the CXCR2 protein (p.Asp13His).

NM_001557.4(CXCR2):c.37G>C (p.Asp13His)

Gene: CXCR2 (C-X-C motif chemokine receptor 2; plus strand). Cytogenetic location: 2q35.
Variant type: single nucleotide variant.
Coding change: c.37G>C on transcript NM_001557.4 (MANE Select); coding-DNA position 37, G replaced by C.
Protein change: p.Asp13His; replaces aspartic acid 13 with histidine.
Molecular consequence: missense variant.
Genome position (GRCh38, 1-based): chr2:218,134,838, G>C. VCF-style: chr2-218134838-G-C. GRCh37 (hg19) VCF-style: chr2-218999561-G-C.
Other names: c.37G>C, p.Asp13His (NM_001168298.2); short protein forms D13H.
Identifiers: ClinVar variation 1931451 (VCV001931451.3), dbSNP rs371161134, ClinGen allele CA2101637.